The following is an entry in ClinVar:

ClinVar aggregate classification (germline): Uncertain significance (1 of 4 stars; one submission).

Allele frequency attached by ClinVar (database versions not stated): gnomAD exomes below 0.00001; ExAC 0.00001; gnomAD 0.00001.
gnomAD v4.1: 3 of 1,614,136 alleles (0.00019%); highest among the groups gnomAD compares: African/African-American, 0.004%; no homozygotes.

Submission:

Women's Health and Genetics/Laboratory Corporation of America, LabCorp
Classification: Uncertain significance. Last evaluated: 2024-02-09. Review status: criteria provided, single submitter. Criteria: LabCorp Variant Classification Summary - May 2015. Collection method: clinical testing. Allele origin: germline.
Comment: Variant summary: COL4A2 c.1670-4C>G alters a non-conserved nucleotide located close to a canonical splice site and therefore could affect mRNA splicing, leading to a significantly altered protein sequence. Several computational tools predict a significant impact on normal splicing: Two predict the variant creates a 5' donor site. However, these predictions have yet to be confirmed by functional studies. The variant allele was found at a frequency of 4e-06 in 249514 control chromosomes. The available data on variant occurrences in the general population are insufficient to allow any conclusion about variant significance. To our knowledge, no occurrence of c.1670-4C>G in individuals affected with Porencephaly 2 and no experimental evidence demonstrating its impact on protein function have been reported. No submitters have cited clinical-significance assessments for this variant to ClinVar. Based on the evidence outlined above, the variant was classified as uncertain significance.

NM_001846.4(COL4A2):c.1670-4C>G

Genes: COL4A2-AS2 (COL4A2 antisense RNA 2; minus strand), COL4A2 (collagen type IV alpha 2 chain; plus strand). Cytogenetic location: 13q34.
Variant type: single nucleotide variant.
Coding change: c.1670-4C>G on transcript NM_001846.4 (MANE Select); 4 bases into the intron before coding-DNA position 1670, C replaced by G.
Molecular consequence: intron variant.
Genome position (GRCh38, 1-based): chr13:110,462,274, C>G. VCF-style: chr13-110462274-C-G. GRCh37 (hg19) VCF-style: chr13-111114621-C-G.
Identifiers: ClinVar variation 3068973 (VCV003068973.2), dbSNP rs774236731, ClinGen allele CA7049673.